The following is an entry in ClinVar:

NM_001458.5(FLNC):c.6217G>A (p.Gly2073Ser)

Genes: FLNC (filamin C; plus strand), FLNC-AS1 (FLNC antisense RNA 1; minus strand). Cytogenetic location: 7q32.1.
Variant type: single nucleotide variant.
Coding change: c.6217G>A on transcript NM_001458.5 (MANE Select); coding-DNA position 6217, G replaced by A.
Protein change: p.Gly2073Ser; replaces glycine 2073 with serine.
Molecular consequence: missense variant.
Genome position (GRCh38, 1-based): chr7:128,853,477, G>A. VCF-style: chr7-128853477-G-A. GRCh37 (hg19) VCF-style: chr7-128493531-G-A.
Other names: c.6118G>A, p.Gly2040Ser (NM_001127487.2); short protein forms G2040S, G2073S.
Identifiers: ClinVar variation 1752241 (VCV001752241.3), dbSNP rs1366093926, ClinGen allele CA369211829.

ClinVar aggregate classification (germline): Uncertain significance (1 of 4 stars; one submission).

Conditions:
Cardiovascular phenotype. Identifiers: MedGen CN230736.

Allele frequency attached by ClinVar (database versions not stated): gnomAD exomes below 0.00001.
gnomAD v4.1: 1 of 1,613,978 alleles (0.000062%); highest among the groups gnomAD compares: Non-Finnish European, 0.000085%; no homozygotes.

Submission:

Ambry Genetics
Classification: Uncertain significance for Cardiovascular phenotype. Last evaluated: 2025-12-15. Review status: criteria provided, single submitter. Criteria: Ambry Variant Classification Scheme 2023. Collection method: clinical testing. Allele origin: germline.
Comment: The c.6217G>A (p.G2073S) alteration is located in exon 38 (coding exon 38) of the FLNC gene. This alteration results from a G to A substitution at nucleotide position 6217, causing the glycine (G) at amino acid position 2073 to be replaced by a serine (S). Based on data from gnomAD, the A allele has an overall frequency of <0.001% (1/249190) total alleles studied. The highest observed frequency was 0.001% (1/113030) of European (non-Finnish) alleles. Based on insufficient or conflicting evidence, the clinical significance of this alteration remains unclear.